The following is an entry in ClinVar:

NM_004380.3(CREBBP):c.6013C>A (p.Pro2005Thr)

Gene: CREBBP (CREB binding protein; minus strand). Cytogenetic location: 16p13.3.
Variant type: single nucleotide variant.
Coding change: c.6013C>A on transcript NM_004380.3 (MANE Select); coding-DNA position 6013, C replaced by A.
Protein change: p.Pro2005Thr; replaces proline 2005 with threonine.
Molecular consequence: missense variant.
Genome position (GRCh38, 1-based): chr16:3,729,034, G>T on the plus strand (C>A on the coding strand, the complement: CREBBP is on the minus strand). VCF-style: chr16-3729034-G-T. GRCh37 (hg19) VCF-style: chr16-3779035-G-T.
Other names: c.5899C>A, p.Pro1967Thr (NM_001079846.1); short protein forms P1967T, P2005T.
Identifiers: ClinVar variation 2430569 (VCV002430569.1), dbSNP rs2151306711, ClinGen allele CA394554608.

ClinVar aggregate classification (germline): Uncertain significance (1 of 4 stars; one submission).

Submission:

GeneDx
Classification: Uncertain significance. Last evaluated: 2022-08-22. Review status: criteria provided, single submitter. Criteria: GeneDx Variant Classification Process June 2021. Collection method: clinical testing. Allele origin: germline. Affected: yes.
Comment: Not observed at significant frequency in large population cohorts (gnomAD); In silico analysis supports that this missense variant has a deleterious effect on protein structure/function; Has not been previously published as pathogenic or benign to our knowledge